The following is an entry in ClinVar:

NM_019032.6(ADAMTSL4):c.439C>T (p.Arg147Trp)

Genes: ADAMTSL4 (ADAMTS like 4; plus strand), ADAMTSL4-AS2 (ADAMTSL4 antisense RNA 2; minus strand). Cytogenetic location: 1q21.2.
Variant type: single nucleotide variant.
Coding change: c.439C>T on transcript NM_019032.6 (MANE Select); coding-DNA position 439, C replaced by T.
Protein change: p.Arg147Trp; replaces arginine 147 with tryptophan.
Molecular consequence: missense variant.
Genome position (GRCh38, 1-based): chr1:150,553,430, C>T. VCF-style: chr1-150553430-C-T. GRCh37 (hg19) VCF-style: chr1-150525906-C-T.
Other names: c.439C>T, p.Arg147Trp (NM_001288607.2, NM_001288608.2, NM_001378596.1 and 1 more transcripts); c.439C>T (NM_019032.4); short protein forms R147W.
Identifiers: ClinVar variation 1479268 (VCV001479268.4), dbSNP rs779011667, ClinGen allele CA1077960.

ClinVar aggregate classification (germline): Uncertain significance. Review status: criteria provided, multiple submitters, no conflicts (2 of 4 stars). 2 submissions from 2 submitters: Uncertain significance (2). Last evaluated 2026-04-01.

Conditions:
Inborn genetic diseases. Identifiers: MedGen C0950123, MeSH D030342.

Allele frequency attached by ClinVar (database versions not stated): 1000 Genomes Project 30x 0.00031; ExAC 0.00002; gnomAD 0.00001 and 0.00002; gnomAD exomes 0.00002.
gnomAD v4.1: 16 of 1,613,850 alleles (0.00099%); highest among the groups gnomAD compares: African/African-American, 0.008%; no homozygotes.

Submissions (2):

Ambry Genetics
Classification: Uncertain significance for Inborn genetic diseases. Last evaluated: 2026-04-01. Review status: criteria provided, single submitter. Criteria: Ambry Variant Classification Scheme 2023. Collection method: clinical testing. Allele origin: germline.
Comment: The c.439C>T (p.R147W) alteration is located in exon 6 (coding exon 4) of the ADAMTSL4 gene. This alteration results from a C to T substitution at nucleotide position 439, causing the arginine (R) at amino acid position 147 to be replaced by a tryptophan (W). Based on data from gnomAD, the T allele has an overall frequency of 0.002% (5/250740) total alleles studied. The highest observed frequency was 0.012% (2/16252) of African alleles. Based on insufficient or conflicting evidence, the clinical significance of this alteration remains unclear.

Labcorp Genetics (formerly Invitae), Labcorp
Classification: Uncertain significance. Last evaluated: 2022-08-15. Review status: criteria provided, single submitter. Criteria: Invitae Variant Classification Sherloc (09022015). Collection method: clinical testing. Allele origin: germline.
Comment: This sequence change replaces arginine, which is basic and polar, with tryptophan, which is neutral and slightly polar, at codon 147 of the ADAMTSL4 protein (p.Arg147Trp). This variant is present in population databases (rs779011667, gnomAD 0.01%). This variant has not been reported in the literature in individuals affected with ADAMTSL4-related conditions. ClinVar contains an entry for this variant (Variation ID: 1479268). Algorithms developed to predict the effect of missense changes on protein structure and function output the following: SIFT: "Deleterious"; PolyPhen-2: "Benign"; Align-GVGD: "Class C0". The tryptophan amino acid residue is found in multiple mammalian species, which suggests that this missense change does not adversely affect protein function. In summary, the available evidence is currently insufficient to determine the role of this variant in disease. Therefore, it has been classified as a Variant of Uncertain Significance.